The following is an entry in ClinVar:

NM_003242.6(TGFBR2):c.636C>T (p.Phe212=)

Gene: TGFBR2 (transforming growth factor beta receptor 2; plus strand). Cytogenetic location: 3p24.1.
Variant type: single nucleotide variant.
Coding change: c.636C>T on transcript NM_003242.6 (MANE Select); coding-DNA position 636, C replaced by T.
Protein change: p.Phe212=; no amino-acid change (phenylalanine 212 retained).
Molecular consequence: synonymous variant. On other transcripts: intron variant (1).
Genome position (GRCh38, 1-based): chr3:30,671,819, C>T. VCF-style: chr3-30671819-C-T. GRCh37 (hg19) VCF-style: chr3-30713311-C-T.
Other names: c.663C>T, p.Phe221= (NM_001407128.1); c.639C>T, p.Phe213= (NM_001407129.1); c.711C>T, p.Phe237= (NM_001024847.3); c.819C>T, p.Phe273= (NM_001407126.1); c.744C>T, p.Phe248= (NM_001407127.1); c.636C>T, p.Phe212= (NM_001407130.1); c.531C>T, p.Phe177= (NM_001407132.1, NM_001407133.1, NM_001407134.1 and 2 more transcripts); c.351C>T, p.Phe117= (NM_001407137.1); and 3 more.
Identifiers: ClinVar variation 3070567 (VCV003070567.4), dbSNP rs753256089, ClinGen allele CA049454.

ClinVar aggregate classification (germline): Likely benign. Review status: criteria provided, multiple submitters, no conflicts (2 of 4 stars). 3 submissions from 3 submitters: Likely benign (3). Last evaluated 2024-09-21.

Conditions:
Familial thoracic aortic aneurysm and aortic dissection (TAAD). Also called: Thoracic aortic aneurysms and dissections. Identifiers: Orphanet 91387, MedGen C4707243, MONDO:0019625.
Loeys-Dietz syndrome 2 (LDS2). Also called: TGFBR2-Related Loeys-Dietz Syndrome; AORTIC ANEURYSM, FAMILIAL THORACIC 3; MARFAN SYNDROME, TYPE II; Marfan syndrome, type 2 (formerly); Marfan Syndrome type 2; Marfan like connective tissue disorder. Identifiers: Orphanet 284973, Orphanet 558, MedGen C2674574, MONDO:0012427, OMIM 610168.

Allele frequency attached by ClinVar (database versions not stated): TOPMed below 0.00001; gnomAD exomes 0.00001; ExAC 0.00002.
gnomAD v4.1: 4 of 1,614,208 alleles (0.00025%); highest among the groups gnomAD compares: Admixed American, 0.0033%; no homozygotes.

Submissions (3):

Labcorp Genetics (formerly Invitae), Labcorp
Classification: Likely benign for Familial thoracic aortic aneurysm and aortic dissection. Last evaluated: 2024-09-21. Review status: criteria provided, single submitter. Criteria: Invitae Variant Classification Sherloc (09022015). Collection method: clinical testing. Allele origin: germline.

Ambry Genetics
Classification: Likely benign for Familial thoracic aortic aneurysm and aortic dissection. Last evaluated: 2024-08-28. Review status: criteria provided, single submitter. Criteria: Ambry Variant Classification Scheme 2023. Collection method: clinical testing. Allele origin: germline.

All of Us Research Program, National Institutes of Health
Classification: Likely benign for Loeys-Dietz syndrome 2. Last evaluated: 2023-06-08. Review status: criteria provided, single submitter. Criteria: ACMG Guidelines, 2015. Collection method: clinical testing. Allele origin: germline. Inheritance: Autosomal dominant inheritance. Observed: 2 variant alleles, 2 heterozygotes.
Comment: This study involves interpretation of variants in research participants for the purpose of population health screening. Participant phenotype was not available at the time of variant classification. Additional details can be found in publication PMID: 35346344, PMCID: PMC8962531